The following is an entry in ClinVar:

ClinVar aggregate classification (germline): Uncertain significance (1 of 4 stars; one submission).

Conditions:
Very long chain acyl-CoA dehydrogenase deficiency (ACADVLD). Also called: Very Long-Chain Acyl-Coenzyme A Dehydrogenase Deficiency; VLCAD Deficiency. Identifiers: Orphanet 26793, MedGen C3887523, MONDO:0008723, OMIM 201475.

Submission:

Labcorp Genetics (formerly Invitae), Labcorp
Classification: Uncertain significance for Very long chain acyl-CoA dehydrogenase deficiency. Last evaluated: 2022-07-10. Review status: criteria provided, single submitter. Criteria: Invitae Variant Classification Sherloc (09022015). Collection method: clinical testing. Allele origin: germline.
Comment: In summary, the available evidence is currently insufficient to determine the role of this variant in disease. Therefore, it has been classified as a Variant of Uncertain Significance. Algorithms developed to predict the effect of missense changes on protein structure and function are either unavailable or do not agree on the potential impact of this missense change (SIFT: "Deleterious"; PolyPhen-2: "Probably Damaging"; Align-GVGD: "Class C0"). This variant has not been reported in the literature in individuals affected with ACADVL-related conditions. This variant is not present in population databases (gnomAD no frequency). This sequence change replaces proline, which is neutral and non-polar, with leucine, which is neutral and non-polar, at codon 296 of the ACADVL protein (p.Pro296Leu).

NM_000018.4(ACADVL):c.887C>T (p.Pro296Leu)

Gene: ACADVL (acyl-CoA dehydrogenase very long chain; plus strand). Cytogenetic location: 17p13.1.
Variant type: single nucleotide variant.
Coding change: c.887C>T on transcript NM_000018.4 (MANE Select); coding-DNA position 887, C replaced by T.
Protein change: p.Pro296Leu; replaces proline 296 with leucine.
Molecular consequence: missense variant.
Genome position (GRCh38, 1-based): chr17:7,222,675, C>T. VCF-style: chr17-7222675-C-T. GRCh37 (hg19) VCF-style: chr17-7125994-C-T.
Other names: c.821C>T, p.Pro274Leu (NM_001033859.3); c.956C>T, p.Pro319Leu (NM_001270447.2); c.659C>T, p.Pro220Leu (NM_001270448.2); short protein forms P319L, P296L, P220L, P274L.
Identifiers: ClinVar variation 2015643 (VCV002015643.4), dbSNP rs2071287235, ClinGen allele CA397723903.
Genomic context (GRCh38, chr17:7,222,675, plus strand): 5'-CAGTGACAACCTGTTGAACACACCTCTGCTTTCCCACACTGCCCTGACACAGTGGGCCCC[C>T]TGAGAAGAAGATGGGCATCAAGGCTTCAAACACAGCAGAGGTGTTCTTTGATGGAGTACG-3'
Protein context (NP_000009.1, residues 286-306): RGFGGITHGP[Pro296Leu]EKKMGIKASN